The following is an entry in ClinVar:

ClinVar aggregate classification (germline): Likely benign. Review status: criteria provided, single submitter (1 of 4 stars). 2 submissions from 2 submitters: Likely benign (1). 1 of the submissions does not count toward it. Last evaluated 2022-08-19.

Conditions:
Hajdu-Cheney syndrome (HJCYS). Also called: Acroosteolysis dominant type; ACROOSTEOLYSIS WITH OSTEOPOROSIS AND CHANGES IN SKULL AND MANDIBLE; SERPENTINE FIBULA-POLYCYSTIC KIDNEY SYNDROME. Identifiers: Orphanet 955, MedGen C0917715, MONDO:0007057, OMIM 102500.
NOTCH2-related disorder. Also called: NOTCH2-related condition.

Allele frequency attached by ClinVar (database versions not stated): ExAC 0.00001; gnomAD 0.00001.
gnomAD v4.1: 57 of 1,614,058 alleles (0.0035%); highest among the groups gnomAD compares: Non-Finnish European, 0.0045%; no homozygotes.

Submissions (2):

Labcorp Genetics (formerly Invitae), Labcorp
Classification: Likely benign for Hajdu-Cheney syndrome. Last evaluated: 2022-08-19. Review status: criteria provided, single submitter. Criteria: Invitae Variant Classification Sherloc (09022015). Collection method: clinical testing. Allele origin: germline.

PreventionGenetics, part of Exact Sciences
Classification: Likely benign for NOTCH2-related condition. Last evaluated: 2021-10-27. Review status: no assertion criteria provided. Collection method: clinical testing. Allele origin: germline. Not counted in ClinVar's aggregate classification.
Comment: This variant is classified as likely benign based on ACMG/AMP sequence variant interpretation guidelines (Richards et al. 2015 PMID: 25741868, with internal and published modifications).

NM_024408.4(NOTCH2):c.3264A>G (p.Leu1088=)

Gene: NOTCH2 (notch receptor 2; minus strand). Cytogenetic location: 1p12.
Variant type: single nucleotide variant.
Coding change: c.3264A>G on transcript NM_024408.4 (MANE Select); coding-DNA position 3264, A replaced by G.
Protein change: p.Leu1088=; no amino-acid change (leucine 1088 retained).
Molecular consequence: synonymous variant.
Genome position (GRCh38, 1-based): chr1:119,937,930, T>C on the plus strand (A>G on the coding strand, the complement: NOTCH2 is on the minus strand). VCF-style: chr1-119937930-T-C. GRCh37 (hg19) VCF-style: chr1-120480553-T-C.
Other names: c.3264A>G (NM_024408.3); c.3264A>G, p.Leu1088= (NM_001200001.2).
Identifiers: ClinVar variation 1953370 (VCV001953370.7), dbSNP rs782227453, ClinGen allele CA1040109.
Genomic context (GRCh38, chr1:119,937,930, plus strand): 5'-TGCTATGTCACAAGAGACATTGGGCACGTCACAATAGGCACCAGCCCATCCAGATGGACA[T>C]AGGCACTGGGACTCTGCTTTTTTCTGAACGCAAGTACCTTTGTTTTTACATGGAGACCGA-3'
Protein context (NP_077719.2, residues 1078-1098): CVQKKAESQC[Leu1088=]CPSGWAGAYC